The following is an entry in ClinVar:

NM_001184900.3(CARD8):c.473A>G (p.Asn158Ser)

Gene: CARD8 (caspase recruitment domain family member 8; minus strand). Cytogenetic location: 19q13.33.
Variant type: single nucleotide variant.
Coding change: c.473A>G on transcript NM_001184900.3 (MANE Select); coding-DNA position 473, A replaced by G.
Protein change: p.Asn158Ser; replaces asparagine 158 with serine.
Molecular consequence: missense variant. On other transcripts: non-coding transcript variant (4).
Genome position (GRCh38, 1-based): chr19:48,231,729, T>C on the plus strand (A>G on the coding strand, the complement: CARD8 is on the minus strand). VCF-style: chr19-48231729-T-C. GRCh37 (hg19) VCF-style: chr19-48734986-T-C.
Other names: c.323A>G, p.Asn108Ser (NM_001184901.1, NM_001351783.2, NM_001351788.2 and 2 more transcripts); c.473A>G, p.Asn158Ser (NM_001184902.2, NM_001184903.1, NM_001351782.2); c.158A>G, p.Asn53Ser (NM_001351784.2, NM_001351787.2, NM_001351791.2 and 2 more transcripts); c.137A>G, p.Asn46Ser (NM_001351786.2); c.230A>G, p.Asn77Ser (NM_001351790.2); c.-350A>G (NM_001426741.1); short protein forms N108S, N158S, N46S, N53S, N77S.
Identifiers: ClinVar variation 2804630 (VCV002804630.3), dbSNP rs2514774371, ClinGen allele CA406645174.

ClinVar aggregate classification (germline): Uncertain significance (1 of 4 stars; one submission).

Submission:

Labcorp Genetics (formerly Invitae), Labcorp
Classification: Uncertain significance. Last evaluated: 2024-07-01. Review status: criteria provided, single submitter. Criteria: Invitae Variant Classification Sherloc (09022015). Collection method: clinical testing. Allele origin: germline.
Comment: This sequence change replaces asparagine, which is neutral and polar, with serine, which is neutral and polar, at codon 108 of the CARD8 protein (p.Asn108Ser). This variant is not present in population databases (gnomAD no frequency). This variant has not been reported in the literature in individuals affected with CARD8-related conditions. Algorithms developed to predict the effect of missense changes on protein structure and function output the following: SIFT: "Not Available"; PolyPhen-2: "Benign"; Align-GVGD: "Not Available". The serine amino acid residue is found in multiple mammalian species, which suggests that this missense change does not adversely affect protein function. In summary, the available evidence is currently insufficient to determine the role of this variant in disease. Therefore, it has been classified as a Variant of Uncertain Significance.